The following is an entry in ClinVar:

NM_006593.4(TBR1):c.1010T>G (p.Leu337Arg)

Gene: TBR1 (T-box brain transcription factor 1; plus strand). Cytogenetic location: 2q24.2.
Variant type: single nucleotide variant.
Coding change: c.1010T>G on transcript NM_006593.4 (MANE Select); coding-DNA position 1010, T replaced by G.
Protein change: p.Leu337Arg; replaces leucine 337 with arginine.
Molecular consequence: missense variant.
Genome position (GRCh38, 1-based): chr2:161,418,932, T>G. VCF-style: chr2-161418932-T-G. GRCh37 (hg19) VCF-style: chr2-162275443-T-G.
Other names: short protein forms L337R.
Identifiers: ClinVar variation 5019155 (VCV005019155.1).

ClinVar aggregate classification (germline): Uncertain significance (1 of 4 stars; one submission).

Conditions:
Intellectual developmental disorder with autism and speech delay. Also called: Autism, susceptibility to, 5; AUTISM-RELATED SPEECH DELAY; Autism 5; PHRASE SPEECH DELAY, AUTISM-RELATED; AUTS5. Identifiers: MedGen C1853755, MONDO:0011627, OMIM 606053.

Submission:

Juno Genomics, Hangzhou Juno Genomics, Inc
Classification: Uncertain significance for Intellectual developmental disorder with autism and speech delay. Review status: criteria provided, single submitter. Criteria: ACMG Guidelines, 2015. Collection method: clinical testing. Allele origin: germline. Affected: yes.
Comment: Absent from controls (or at extremely low frequency if recessive) in Genome Aggregation Database.;Multiple lines of computational evidence support a deleterious effect on the gene or gene product.